The following is an entry in ClinVar:

ClinVar aggregate classification (germline): Pathogenic. Review status: criteria provided, multiple submitters, no conflicts (2 of 4 stars). 2 submissions from 2 submitters: Pathogenic (2). Last evaluated 2023-09-07.

Conditions:
Familial cancer of breast. Also called: BREAST CANCER, FAMILIAL; Hereditary breast cancer; hereditary breast carcinoma. Identifiers: Orphanet 227535, MedGen C0346153, MONDO:0016419, OMIM 114480. Disease mechanism: loss of function.

Submissions (2):

Myriad Genetics, Inc.
Classification: Pathogenic for Familial cancer of breast. Last evaluated: 2023-09-07. Review status: criteria provided, single submitter. Criteria: Myriad Autosomal Dominant, Autosomal Recessive and X-Linked Classification Criteria (2023). Collection method: clinical testing. Allele origin: unknown.
Comment: This variant is considered pathogenic. This variant creates a frameshift predicted to result in premature protein truncation.

Labcorp Genetics (formerly Invitae), Labcorp
Classification: Pathogenic for Familial cancer of breast. Last evaluated: 2021-11-08. Review status: criteria provided, single submitter. Criteria: Invitae Variant Classification Sherloc (09022015). Collection method: clinical testing. Allele origin: germline.
Comment: For these reasons, this variant has been classified as Pathogenic. This sequence change creates a premature translational stop signal (p.Lys353Asnfs*20) in the PALB2 gene. It is expected to result in an absent or disrupted protein product. Loss-of-function variants in PALB2 are known to be pathogenic (PMID: 17200668, 17200671, 17200672, 24136930, 25099575). This variant is not present in population databases (gnomAD no frequency). This variant has not been reported in the literature in individuals affected with PALB2-related conditions.

Literature cited by the submitters: PubMed 17200668 (cited by Labcorp Genetics (formerly Invitae), Labcorp); PubMed 17200671 (cited by Labcorp Genetics (formerly Invitae), Labcorp); PubMed 17200672 (cited by Labcorp Genetics (formerly Invitae), Labcorp); PubMed 24136930 (cited by Labcorp Genetics (formerly Invitae), Labcorp); PubMed 25099575 (cited by Labcorp Genetics (formerly Invitae), Labcorp).

NM_024675.4(PALB2):c.1056_1065del (p.Lys353fs)

Gene: PALB2 (partner and localizer of BRCA2; minus strand). Cytogenetic location: 16p12.2.
Variant type: Deletion.
Coding change: c.1056_1065del on transcript NM_024675.4 (MANE Select); coding-DNA positions 1056 to 1065, 10 bases deleted (GAAATCTTTA; older notation c.1056_1065delGAAATCTTTA).
Protein change: p.Lys353fs; shifts the reading frame from lysine 353.
Molecular consequence: frameshift variant.
Genome position (GRCh38, 1-based): chr16:23,635,481-23,635,490, TAAAGATTTC deleted on the plus strand (GAAATCTTTA on the coding strand, the reverse complement: PALB2 is on the minus strand); deleting any 10 consecutive bases within chr16:23,635,481-23,635,491 gives the same sequence; the c. name uses the placement nearest the transcript's 3' end. VCF-style (leftmost placement, unchanged base first): chr16-23635480-TTAAAGATTTC-T. GRCh37 (hg19) VCF-style: chr16-23646801-TTAAAGATTTC-T.
Other names: short protein forms K353fs.
Identifiers: ClinVar variation 1365283 (VCV001365283.7), dbSNP rs2142426926, ClinGen allele CA2573152189.
Genomic context (GRCh38, chr16:23,635,480, plus strand): 5'-TTAGAATCTCACTTTCCTGAAGATTTTCATTCCTGCCATCAAGAGTGTCACTGGGAGATT[TTAAAGATTTC>T]TCTGTTTGATTTTGTTCTTTTAAGTTTTGGTTTTCATTTGCTGGTAAGTTATTGTAGGTG-3'